The following is an entry in ClinVar:

ClinVar aggregate classification (germline): Conflicting classifications of pathogenicity. Review status: criteria provided, conflicting classifications (1 of 4 stars). 4 submissions from 4 submitters: Uncertain significance (3); Likely benign (1). Last evaluated 2026-01-25.

Conditions:
Hereditary cancer-predisposing syndrome. Also called: Neoplastic Syndromes, Hereditary; Tumor predisposition; Hereditary neoplastic syndrome; Hereditary Cancer Syndrome. Identifiers: Orphanet 140162, MedGen C0027672, MeSH D009386, MONDO:0015356.
Fanconi anemia complementation group O. Also called: RAD51C-Related Fanconi Anemia. Identifiers: Orphanet 84, MedGen C3150653, MONDO:0013248, OMIM 613390.

Allele frequency attached by ClinVar (database versions not stated): gnomAD exomes below 0.00001; ExAC 0.00001; TOPMed 0.00003; ESP Exome Variant Server 0.00008.
gnomAD v4.1: 3 of 1,614,108 alleles (0.00019%); highest among the groups gnomAD compares: African/African-American, 0.004%; no homozygotes.

Submissions (4):

Labcorp Genetics (formerly Invitae), Labcorp
Classification: Uncertain significance for Fanconi anemia complementation group O. Last evaluated: 2026-01-25. Review status: criteria provided, single submitter. Criteria: Invitae Variant Classification Sherloc (09022015). Collection method: clinical testing. Allele origin: germline.
Comment: This sequence change replaces glutamic acid, which is acidic and polar, with aspartic acid, which is acidic and polar, at codon 45 of the RAD51C protein (p.Glu45Asp). This variant is present in population databases (rs371608994, gnomAD 0.007%). This variant has not been reported in the literature in individuals affected with RAD51C-related conditions. ClinVar contains an entry for this variant (Variation ID: 246164). Invitae Evidence Modeling of protein sequence and biophysical properties (such as structural, functional, and spatial information, amino acid conservation, physicochemical variation, residue mobility, and thermodynamic stability) indicates that this missense variant is not expected to disrupt RAD51C protein function with a negative predictive value of 80%. In summary, the available evidence is currently insufficient to determine the role of this variant in disease. Therefore, it has been classified as a Variant of Uncertain Significance.

Ambry Genetics
Classification: Likely benign for Hereditary cancer-predisposing syndrome. Last evaluated: 2024-02-26. Review status: criteria provided, single submitter. Criteria: Ambry Variant Classification Scheme 2023. Collection method: clinical testing. Allele origin: germline.

GeneDx
Classification: Uncertain significance. Last evaluated: 2019-05-22. Review status: criteria provided, single submitter. Criteria: GeneDx Variant Classification Process June 2021. Collection method: clinical testing. Allele origin: germline. Affected: yes.
Comment: Not observed at a significant frequency in large population cohorts (Lek et al., 2016); In silico analysis, which includes protein predictors and evolutionary conservation, supports that this variant does not alter protein structure/function; This variant is associated with the following publications: (PMID: 24185509)

Quest Diagnostics Nichols Institute San Juan Capistrano
Classification: Uncertain significance. Last evaluated: 2018-01-04. Review status: criteria provided, single submitter. Criteria: Quest Diagnostics criteria. Collection method: clinical testing. Allele origin: germline.

NM_058216.3(RAD51C):c.135G>C (p.Glu45Asp)

Gene: RAD51C (RAD51 paralog C; plus strand). Cytogenetic location: 17q22.
Variant type: single nucleotide variant.
Coding change: c.135G>C on transcript NM_058216.3 (MANE Select); coding-DNA position 135, G replaced by C.
Protein change: p.Glu45Asp; replaces glutamic acid 45 with aspartic acid.
Molecular consequence: missense variant. On other transcripts: non-coding transcript variant (1).
Genome position (GRCh38, 1-based): chr17:58,692,778, G>C. VCF-style: chr17-58692778-G-C. GRCh37 (hg19) VCF-style: chr17-56770139-G-C.
Other names: c.135G>C, p.Glu45Asp (NM_002876.4); short protein forms E45D.
Identifiers: ClinVar variation 246164 (VCV000246164.18), dbSNP rs371608994, ClinGen allele CA8677151.
Genomic context (GRCh38, chr17:58,692,778, plus strand): 5'-GAAGCTGGTGTCTGCGGGGTTCCAGACTGCTGAGGAACTCCTAGAGGTGAAACCCTCCGA[G>C]CTTAGCAAAGGTAACGACTCCTGATGGCAAGCTGAGGCACACCGGCCGCCGTCAGCGCCG-3'
Protein context (NP_478123.1, residues 35-55): AEELLEVKPS[Glu45Asp]LSKEVGISKA